The following is an entry in ClinVar:

ClinVar aggregate classification (germline): Uncertain significance (1 of 4 stars; one submission).

Conditions:
Autoimmune interstitial lung disease-arthritis syndrome. Also called: Autoinflammation and autoimmunity, systemic, with immune dysregulation. Identifiers: Orphanet 444092, MedGen C5975714, MONDO:0014629.

Submission:

Labcorp Genetics (formerly Invitae), Labcorp
Classification: Uncertain significance for Autoimmune interstitial lung disease-arthritis syndrome. Last evaluated: 2025-10-10. Review status: criteria provided, single submitter. Criteria: Invitae Variant Classification Sherloc (09022015). Collection method: clinical testing. Allele origin: germline.
Comment: This sequence change replaces aspartic acid, which is acidic and polar, with asparagine, which is neutral and polar, at codon 499 of the COPA protein (p.Asp499Asn). This variant is not present in population databases (gnomAD no frequency). This variant has not been reported in the literature in individuals affected with COPA-related conditions. Invitae Evidence Modeling of protein sequence and biophysical properties (such as structural, functional, and spatial information, amino acid conservation, physicochemical variation, residue mobility, and thermodynamic stability) indicates that this missense variant is not expected to disrupt COPA protein function with a negative predictive value of 80%. In summary, the available evidence is currently insufficient to determine the role of this variant in disease. Therefore, it has been classified as a Variant of Uncertain Significance.

NM_004371.4(COPA):c.1495G>A (p.Asp499Asn)

Gene: COPA (coat protein complex I subunit alpha; minus strand). Cytogenetic location: 1q23.2.
Variant type: single nucleotide variant.
Coding change: c.1495G>A on transcript NM_004371.4 (MANE Select); coding-DNA position 1495, G replaced by A.
Protein change: p.Asp499Asn; replaces aspartic acid 499 with asparagine.
Molecular consequence: missense variant.
Genome position (GRCh38, 1-based): chr1:160,305,721, C>T on the plus strand (G>A on the coding strand, the complement: COPA is on the minus strand). VCF-style: chr1-160305721-C-T. GRCh37 (hg19) VCF-style: chr1-160275511-C-T.
Other names: c.1495G>A, p.Asp499Asn (NM_001098398.2); short protein forms D499N.
Identifiers: ClinVar variation 4723410 (VCV004723410.1).